The following is an entry in ClinVar:

ClinVar aggregate classification (germline): Uncertain significance (1 of 4 stars; one submission).

Conditions:
Pyridoxine-dependent epilepsy (EPEO4). Also called: Pyridoxine-Dependent Seizures; Pyridoxine-Dependent Epilepsy - ALDH7A1; PYRIDOXINE DEPENDENCY WITH SEIZURES; EPILEPSY, EARLY-ONSET, 4, VITAMIN B6-DEPENDENT. Identifiers: Orphanet 3006, MedGen C1849508, MONDO:0009945, OMIM 266100. Disease mechanism: loss of function.

Submission:

Labcorp Genetics (formerly Invitae), Labcorp
Classification: Uncertain significance for Pyridoxine-dependent epilepsy. Last evaluated: 2021-10-28. Review status: criteria provided, single submitter. Criteria: Invitae Variant Classification Sherloc (09022015). Collection method: clinical testing. Allele origin: germline.
Comment: This sequence change replaces glycine, which is neutral and non-polar, with serine, which is neutral and polar, at codon 494 of the ALDH7A1 protein (p.Gly494Ser). This variant is not present in population databases (gnomAD no frequency). In summary, the available evidence is currently insufficient to determine the role of this variant in disease. Therefore, it has been classified as a Variant of Uncertain Significance. Advanced modeling of protein sequence and biophysical properties (such as structural, functional, and spatial information, amino acid conservation, physicochemical variation, residue mobility, and thermodynamic stability) performed at Invitae indicates that this missense variant is expected to disrupt ALDH7A1 protein function. This variant has not been reported in the literature in individuals affected with ALDH7A1-related conditions.

NM_001182.5(ALDH7A1):c.1480G>A (p.Gly494Ser)

Gene: ALDH7A1 (aldehyde dehydrogenase 7 family member A1; minus strand). Cytogenetic location: 5q23.2.
Variant type: single nucleotide variant.
Coding change: c.1480G>A on transcript NM_001182.5 (MANE Select); coding-DNA position 1480, G replaced by A.
Protein change: p.Gly494Ser; replaces glycine 494 with serine.
Molecular consequence: missense variant.
Genome position (GRCh38, 1-based): chr5:126,549,938, C>T on the plus strand (G>A on the coding strand, the complement: ALDH7A1 is on the minus strand). VCF-style: chr5-126549938-C-T. GRCh37 (hg19) VCF-style: chr5-125885630-C-T.
Other names: c.1396G>A, p.Gly466Ser (NM_001201377.2); c.1288G>A, p.Gly430Ser (NM_001202404.2); short protein forms G466S, G430S, G494S.
Identifiers: ClinVar variation 1500118 (VCV001500118.6), dbSNP rs2112752319, ClinGen allele CA360720881.